The following is an entry in ClinVar:

NC_000022.10:g.(?_29130381)_(29130719_?)dup

Gene: CHEK2 (checkpoint kinase 2; minus strand). Cytogenetic location: 22q12.1.
Variant type: Duplication.
Identifiers: ClinVar variation 652382 (VCV000652382.2).

ClinVar aggregate classification (germline): Uncertain significance (1 of 4 stars; one submission).

Conditions:
Familial cancer of breast. Also called: hereditary breast carcinoma; BREAST CANCER, FAMILIAL; Hereditary breast cancer. Identifiers: Orphanet 227535, MedGen C0346153, MONDO:0016419, OMIM 114480. Disease mechanism: loss of function.

Submission:

Labcorp Genetics (formerly Invitae), Labcorp
Classification: Uncertain significance for Hereditary Breast Carcinoma. Last evaluated: 2018-11-08. Review status: criteria provided, single submitter. Criteria: Invitae Variant Classification Sherloc (09022015). Collection method: clinical testing. Allele origin: germline.
Comment: This variant is a gross duplication of the genomic region encompassing exon 2 of the CHEK2 gene. The 5' end of this event is unknown as it extends beyond the assayed region for this gene and therefore may encompass additional genes. The 3' boundary is likely confined to intron 2 of the CHEK2 gene. This variant has not been reported in the literature in individuals with a CHEK2-related disease. Experimental studies and prediction algorithms are not available for this variant, and the functional significance of this duplication is currently unknown. In summary, the exact genomic location of this variant is unknown and the impact of this duplication on CHEK2 protein function has not been established. Therefore, it has been classified as a Variant of Uncertain Significance.